The following is an entry in ClinVar:

ClinVar aggregate classification (germline): Uncertain significance (1 of 4 stars; one submission).

Conditions:
Bloom syndrome (BLM). Also called: Bloom-Torre-Machacek syndrome. Identifiers: Orphanet 125, MedGen C0005859, MONDO:0008876, OMIM 210900.

Submission:

Labcorp Genetics (formerly Invitae), Labcorp
Classification: Uncertain significance for Bloom syndrome. Last evaluated: 2019-12-07. Review status: criteria provided, single submitter. Criteria: Invitae Variant Classification Sherloc (09022015). Collection method: clinical testing. Allele origin: germline.
Comment: In summary, this variant is a novel missense change with uncertain impact on protein function. It has been classified as a Variant of Uncertain Significance. Algorithms developed to predict the effect of missense changes on protein structure and function do not agree on the potential impact of this missense change (SIFT: "Deleterious"; PolyPhen-2: "Probably Damaging"; Align-GVGD: "Class C0"). This variant is not present in population databases (ExAC no frequency) and has not been reported in the literature in individuals with a BLM-related disease. This sequence change replaces valine with glutamic acid at codon 958 of the BLM protein (p.Val958Glu). The valine residue is highly conserved and there is a moderate physicochemical difference between valine and glutamic acid.

NM_000057.4(BLM):c.2873T>A (p.Val958Glu)

Gene: BLM (BLM RecQ like helicase; plus strand). Cytogenetic location: 15q26.1.
Variant type: single nucleotide variant.
Coding change: c.2873T>A on transcript NM_000057.4 (MANE Select); coding-DNA position 2873, T replaced by A.
Protein change: p.Val958Glu; replaces valine 958 with glutamic acid.
Molecular consequence: missense variant.
Genome position (GRCh38, 1-based): chr15:90,790,698, T>A. VCF-style: chr15-90790698-T-A. GRCh37 (hg19) VCF-style: chr15-91333928-T-A.
Other names: c.2873T>A, p.Val958Glu (NM_001287246.2, NM_001287247.2); c.1748T>A, p.Val583Glu (NM_001287248.2); short protein forms V958E, V583E.
Identifiers: ClinVar variation 454122 (VCV000454122.11), dbSNP rs1555423088, ClinGen allele CA393846322.
Genomic context (GRCh38, chr15:90,790,698, plus strand): 5'-TTTTATATCAGGTTATCTGTGCTACAATTGCATTTGGAATGGGGATTGACAAACCGGACG[T>A]GCGATTTGTGATTCATGCATCTCTCCCTAAATCTGTGGAGGGTTACTACCAAGAATCTGG-3'
Protein context (NP_000048.1, residues 948-968): AFGMGIDKPD[Val958Glu]RFVIHASLPK